The following is an entry in ClinVar:

NM_004770.3(KCNB2):c.2704G>C (p.Gly902Arg)

Gene: KCNB2 (potassium voltage-gated channel subfamily B member 2; plus strand). Cytogenetic location: 8q21.11.
Variant type: single nucleotide variant.
Coding change: c.2704G>C on transcript NM_004770.3 (MANE Select); coding-DNA position 2704, G replaced by C.
Protein change: p.Gly902Arg; replaces glycine 902 with arginine.
Molecular consequence: missense variant.
Genome position (GRCh38, 1-based): chr8:72,938,059, G>C. VCF-style: chr8-72938059-G-C. GRCh37 (hg19) VCF-style: chr8-73850294-G-C.
Other names: short protein forms G902R.
Identifiers: ClinVar variation 4686804 (VCV004686804.1).

ClinVar aggregate classification (germline): Uncertain significance (1 of 4 stars; one submission).

Submission:

GeneDx
Classification: Uncertain significance. Last evaluated: 2025-07-25. Review status: criteria provided, single submitter. Criteria: GeneDx Variant Classification Process June 2021. Collection method: clinical testing. Allele origin: germline. Affected: yes.
Comment: Not observed at significant frequency in large population cohorts (gnomAD); In silico analysis suggests that this missense variant does not alter protein structure/function; Has not been previously published as pathogenic or benign to our knowledge